The following is an entry in ClinVar:

ClinVar aggregate classification (germline): Uncertain significance (1 of 4 stars; one submission).

Conditions:
Epilepsy, X-linked 1, with variable learning disabilities and behavior disorders. Also called: X-linked epilepsy-learning disabilities-behavior disorders syndrome. Identifiers: Orphanet 85294, MedGen C5774177, MONDO:0010339, OMIM 300491.

gnomAD v4.1: 1 of 1,193,911 alleles (0.000084%); no homozygotes.

Submission:

Labcorp Genetics (formerly Invitae), Labcorp
Classification: Uncertain significance for Epilepsy, X-linked 1, with variable learning disabilities and behavior disorders. Last evaluated: 2025-03-16. Review status: criteria provided, single submitter. Criteria: Invitae Variant Classification Sherloc (09022015). Collection method: clinical testing. Allele origin: germline.
Comment: This sequence change falls in intron 9 of the SYN1 gene. It does not directly change the encoded amino acid sequence of the SYN1 protein. It affects a nucleotide within the consensus splice site. This variant is not present in population databases (gnomAD no frequency). This variant has not been reported in the literature in individuals affected with SYN1-related conditions. Variants that disrupt the consensus splice site are a relatively common cause of aberrant splicing (PMID: 17576681, 9536098). Algorithms developed to predict the effect of sequence changes on RNA splicing suggest that this variant is not likely to affect RNA splicing. In summary, the available evidence is currently insufficient to determine the role of this variant in disease. Therefore, it has been classified as a Variant of Uncertain Significance.

Literature cited by the submitters: PubMed 17576681; PubMed 9536098.

NM_006950.3(SYN1):c.1158+5G>A

Gene: SYN1 (synapsin I; minus strand). Cytogenetic location: Xp11.3.
Variant type: single nucleotide variant.
Coding change: c.1158+5G>A on transcript NM_006950.3 (MANE Select); 5 bases into the intron after coding-DNA position 1158, G replaced by A.
Molecular consequence: intron variant.
Genome position (GRCh38, 1-based): chrX:47,576,126, C>T on the plus strand (G>A on the coding strand, the complement: SYN1 is on the minus strand). VCF-style: chrX-47576126-C-T. GRCh37 (hg19) VCF-style: chrX-47435525-C-T.
Other names: c.1158+5G>A (NM_133499.2).
Identifiers: ClinVar variation 4805477 (VCV004805477.1).
Genomic context (GRCh38, chrX:47,576,126, plus strand): 5'-GTTTGCACTGCTGCTGCCTGGCATCTGTTCCTCCCTCTACCCCACCTACCCCTGGGTGCT[C>T]ATACCTCAATGATGTGATCCCTTCCGTCCTTGCCATGTAGCGCTTCCACTGCGCAGATGT-3'